The following is an entry in ClinVar:

ClinVar aggregate classification (germline): Pathogenic (1 of 4 stars; one submission).

Conditions:
Alkaptonuria (AKU). Also called: HOMOGENTISIC ACID OXIDASE DEFICIENCY; Alcaptonuria; Homogentisic acidura; Alkaptonuric ochronosis. Identifiers: Orphanet 56, MedGen C0002066, MONDO:0008753, OMIM 203500.

Submission:

Myriad Genetics, Inc.
Classification: Pathogenic for Alkaptonuria. Last evaluated: 2025-10-12. Review status: criteria provided, single submitter. Criteria: Myriad Autosomal Dominant, Autosomal Recessive and X-Linked Classification Criteria (2023). Collection method: clinical testing. Allele origin: unknown.
Comment: NM_000187.3(HGD):c.449C>G(S150*) is expected to be pathogenic in the context of alkaptonuria. This variant is predicted to lead to an abnormal or absent protein product due to the creation of a premature termination codon in HGD, a gene where loss-of-function variants are known to be pathogenic. Please note: this variant was assessed in the context of healthy population screening.

NM_000187.4(HGD):c.449C>G (p.Ser150Ter)

Gene: HGD (homogentisate 1,2-dioxygenase; minus strand). Cytogenetic location: 3q13.33.
Variant type: single nucleotide variant.
Coding change: c.449C>G on transcript NM_000187.4 (MANE Select); coding-DNA position 449, C replaced by G.
Protein change: p.Ser150Ter; replaces serine 150 with a stop codon.
Molecular consequence: nonsense.
Genome position (GRCh38, 1-based): chr3:120,647,897, G>C on the plus strand (C>G on the coding strand, the complement: HGD is on the minus strand). VCF-style: chr3-120647897-G-C. GRCh37 (hg19) VCF-style: chr3-120366744-G-C.
Other names: short protein forms S150*.
Identifiers: ClinVar variation 5015083 (VCV005015083.1).